The following is an entry in ClinVar:

ClinVar aggregate classification (germline): Uncertain significance (1 of 4 stars; one submission).

Conditions:
NPHP1-related disorder. Also called: NPHP1-related disorders; NPHP1-related condition.

gnomAD v4.1: 1 of 1,612,100 alleles (0.000062%); no homozygotes.

Submission:

PreventionGenetics, part of Exact Sciences
Classification: Uncertain significance for NPHP1-related condition. Last evaluated: 2026-08-12. Review status: criteria provided, single submitter. Criteria: ACMG Guidelines, 2015. Collection method: clinical testing. Allele origin: germline.
Comment: The NPHP1 c.1929+2T>C variant is predicted to disrupt the GT donor site and interfere with normal splicing. To our knowledge, this variant has not been reported in the literature or in a large population database (gnomAD), indicating this variant is rare. Although we suspect that this variant may be pathogenic, at this time, the clinical significance of this variant is uncertain due to the absence of conclusive functional and genetic evidence.

NM_001128178.3(NPHP1):c.1761+2T>C

Gene: NPHP1 (nephrocystin 1; minus strand). Cytogenetic location: 2q13.
Variant type: single nucleotide variant.
Coding change: c.1761+2T>C on transcript NM_001128178.3 (MANE Select); the canonical splice donor site of the intron after coding-DNA position 1761, T replaced by C.
Molecular consequence: splice donor variant.
Genome position (GRCh38, 1-based): chr2:110,125,635, A>G on the plus strand (T>C on the coding strand, the complement: NPHP1 is on the minus strand). VCF-style: chr2-110125635-A-G. GRCh37 (hg19) VCF-style: chr2-110883212-A-G.
Other names: c.1572+2T>C (NM_001128179.3); c.1758+2T>C (NM_001374256.1); c.1761+2T>C (NM_001374257.1); c.1926+2T>C (NM_207181.4); c.1929+2T>C (NM_000272.5).
Identifiers: ClinVar variation 4991136 (VCV004991136.1).
Genomic context (GRCh38, chr2:110,125,635, plus strand): 5'-AATAGGCAAGCAAACACCAGGTACTGCAAATATGGAGTTCAGTGTGGAGACTCATATTTT[A>G]CCTTCTCTGATCTTTTTAATGTGCTTTCTTTTCCAGCCCACGAACTCTAAAGAGCAAACA-3'